The following is an entry in ClinVar:

NM_001122955.4(BSCL2):c.1313C>T (p.Pro438Leu)

Genes: BSCL2 (BSCL2 lipid droplet biogenesis associated, seipin; minus strand), HNRNPUL2-BSCL2 (HNRNPUL2-BSCL2 readthrough (NMD candidate); minus strand). Cytogenetic location: 11q12.3.
Variant type: single nucleotide variant.
Coding change: c.1313C>T on transcript NM_001122955.4 (MANE Select); coding-DNA position 1313, C replaced by T.
Protein change: p.Pro438Leu; replaces proline 438 with leucine.
Molecular consequence: missense variant. On other transcripts: non-coding transcript variant (1), 3 prime UTR variant (1).
Genome position (GRCh38, 1-based): chr11:62,690,443, G>A on the plus strand (C>T on the coding strand, the complement: BSCL2 is on the minus strand). VCF-style: chr11-62690443-G-A. GRCh37 (hg19) VCF-style: chr11-62457915-G-A.
Other names: c.*115C>T (NM_001130702.2); c.1319C>T, p.Pro440Leu (NM_001386027.1); c.1313C>T, p.Pro438Leu (NM_001386028.1); c.1121C>T, p.Pro374Leu (NM_032667.6); short protein forms P438L, P374L, P440L.
Identifiers: ClinVar variation 937593 (VCV000937593.9), dbSNP rs1473465067, ClinGen allele CA380954442.

ClinVar aggregate classification (germline): Uncertain significance (1 of 4 stars; one submission).

Conditions:
Charcot-Marie-Tooth disease type 2. Also called: Charcot-Marie-Tooth type 2. Identifiers: Orphanet 64746, MedGen C0270914, MONDO:0018993.

Allele frequency attached by ClinVar (database versions not stated): gnomAD exomes below 0.00001 and 0.00002; TOPMed 0.00008; gnomAD 0.00009 and 0.00010.
gnomAD v4.1: 20 of 1,614,080 alleles (0.0012%); highest among the groups gnomAD compares: Admixed American, 0.03%; no homozygotes.

Submission:

Labcorp Genetics (formerly Invitae), Labcorp
Classification: Uncertain significance for Charcot-Marie-Tooth disease type 2. Last evaluated: 2023-03-14. Review status: criteria provided, single submitter. Criteria: Invitae Variant Classification Sherloc (09022015). Collection method: clinical testing. Allele origin: germline.
Comment: ClinVar contains an entry for this variant (Variation ID: 937593). This variant has not been reported in the literature in individuals affected with BSCL2-related conditions. This variant is present in population databases (no rsID available, gnomAD 0.01%). This sequence change replaces proline, which is neutral and non-polar, with leucine, which is neutral and non-polar, at codon 374 of the BSCL2 protein (p.Pro374Leu). Algorithms developed to predict the effect of missense changes on protein structure and function output the following: SIFT: "Not Available"; PolyPhen-2: "Benign"; Align-GVGD: "Not Available". The leucine amino acid residue is found in multiple mammalian species, which suggests that this missense change does not adversely affect protein function. In summary, the available evidence is currently insufficient to determine the role of this variant in disease. Therefore, it has been classified as a Variant of Uncertain Significance.